The following is an entry in ClinVar:

NM_001145319.2(PLS1):c.429G>A (p.Lys143=)

Gene: PLS1 (plastin 1; plus strand). Cytogenetic location: 3q23.
Variant type: single nucleotide variant.
Coding change: c.429G>A on transcript NM_001145319.2 (MANE Select); coding-DNA position 429, G replaced by A.
Protein change: p.Lys143=; no amino-acid change (lysine 143 retained).
Molecular consequence: synonymous variant.
Genome position (GRCh38, 1-based): chr3:142,676,221, G>A. VCF-style: chr3-142676221-G-A. GRCh37 (hg19) VCF-style: chr3-142395063-G-A.
Other names: c.429G>A, p.Lys143= (NM_001172312.2, NM_002670.3).
Identifiers: ClinVar variation 3036686 (VCV003036686.9), dbSNP rs763975641, ClinGen allele CA2651027.

ClinVar aggregate classification (germline): Likely benign. Review status: criteria provided, single submitter (1 of 4 stars). 2 submissions from 2 submitters: Likely benign (1). 1 of the submissions does not count toward it. Last evaluated 2025-09-01.

Conditions:
PLS1-related disorder. Also called: PLS1-related condition.

Allele frequency attached by ClinVar (database versions not stated): gnomAD 0.00001; TOPMed 0.00001; ExAC 0.00003; gnomAD exomes 0.00003.
gnomAD v4.1: 40 of 1,612,862 alleles (0.0025%); highest among the groups gnomAD compares: South Asian, 0.034%; no homozygotes.

Submissions (2):

CeGaT Center for Human Genetics Tuebingen
Classification: Likely benign. Last evaluated: 2025-09-01. Review status: criteria provided, single submitter. Criteria: CeGaT Center For Human Genetics Tuebingen Variant Classification Criteria Version 2. Collection method: clinical testing. Allele origin: germline. Affected: yes. Observed: 1 variant allele.
Comment: PLS1: BP4, BP7

PreventionGenetics, part of Exact Sciences
Classification: Likely benign for PLS1-related condition. Last evaluated: 2020-06-09. Review status: no assertion criteria provided. Collection method: clinical testing. Allele origin: germline. Not counted in ClinVar's aggregate classification.
Comment: This variant is classified as likely benign based on ACMG/AMP sequence variant interpretation guidelines (Richards et al. 2015 PMID: 25741868, with internal and published modifications).